The following is an entry in ClinVar:

ClinVar aggregate classification (germline): Uncertain significance (1 of 4 stars; one submission).

Conditions:
Hereditary breast ovarian cancer syndrome. Also called: Hereditary breast and ovarian cancer syndrome; BRCA1- and BRCA2-Associated Hereditary Breast and Ovarian Cancer; Hereditary breast and/or ovarian cancer syndrome; Hereditary breast and ovarian cancer; Hereditary breast and ovarian cancer syndrome (HBOC); Breast and ovarian cancer. Identifiers: Orphanet 145, MedGen C0677776, MeSH D061325, MONDO:0003582. Disease mechanism: loss of function.

Submission:

Labcorp Genetics (formerly Invitae), Labcorp
Classification: Uncertain significance for Hereditary breast ovarian cancer syndrome. Last evaluated: 2019-03-06. Review status: criteria provided, single submitter. Criteria: Invitae Variant Classification Sherloc (09022015). Collection method: clinical testing. Allele origin: germline.
Comment: This variant is not present in population databases (ExAC no frequency). In summary, the available evidence is currently insufficient to determine the role of this variant in disease. Therefore, it has been classified as a Variant of Uncertain Significance. Experimental studies have shown that sequence changes that disrupt this acceptor splice site may alter splicing of exon 13 (also referred to as exon 14 in the literature), resulting in the deletion of 1 amino acid of the BRCA1 protein, thereby preserving the integrity of the reading frame (PMID: 24569164). This alternative in-frame transcript has also been reported to occur naturally in healthy individuals (PMID: 24569164). This variant has not been reported in the literature in individuals with BRCA1-related conditions. This sequence change affects an acceptor splice site in intron 12 of the BRCA1 gene.

Literature cited by the submitters: PubMed 24569164.

NM_007294.4(BRCA1):c.4358-1G>T

Gene: BRCA1 (BRCA1 DNA repair associated; minus strand). Cytogenetic location: 17q21.31.
Variant type: single nucleotide variant.
Coding change: c.4358-1G>T on transcript NM_007294.4 (MANE Select); the canonical splice acceptor site of the intron before coding-DNA position 4358, G replaced by T.
Molecular consequence: splice acceptor variant. On other transcripts: intron variant (138).
Genome position (GRCh38, 1-based): chr17:43,076,615, C>A on the plus strand (G>T on the coding strand, the complement: BRCA1 is on the minus strand). VCF-style: chr17-43076615-C-A. GRCh37 (hg19) VCF-style: chr17-41228632-C-A.
Other names: c.4217-1G>T (NM_001407695.1, NM_001407726.1, NM_001407730.1 and 13 more transcripts); c.4214-4G>T (NM_001407846.1, NM_001407850.1, NM_001407844.1 and 8 more transcripts); c.836-5377G>T (NM_001408513.1); c.782-1G>T (NM_001408503.1, NM_001408502.1, NM_001408504.1); c.4214-1G>T (NM_001407943.1, NM_001407748.1, NM_001407752.1 and 11 more transcripts); c.785-1G>T (NM_001408500.1, NM_001408497.1, NM_001408496.1 and 3 more transcripts); c.4094-1G>T (NM_001407921.1, NM_001407926.1, NM_001407924.1 and 4 more transcripts); c.905-1G>T (NM_001408466.1, NM_001408465.1, NM_001408463.1 and 3 more transcripts); and 98 more.
Identifiers: ClinVar variation 853371 (VCV000853371.11), dbSNP rs876658790, ClinGen allele CA10592829.